The following continues an entry in ClinVar:

NM_000465.4(BARD1):c.1718T>C (p.Ile573Thr)

Gene: BARD1. ClinVar aggregate classification (germline): Conflicting classifications of pathogenicity. Uncertain significance (14); Likely benign (1).

Submissions 10 to 15 of 15:

Color Diagnostics, LLC DBA Color Health
Classification: Uncertain significance for Hereditary cancer-predisposing syndrome. Last evaluated: 2023-12-06. Review status: criteria provided, single submitter. Criteria: ACMG Guidelines, 2015. Collection method: clinical testing. Allele origin: germline.
Comment: This missense variant replaces isoleucine with threonine at codon 573 of the BARD1 protein. Computational prediction is inconclusive regarding the impact of this variant on protein structure and function. To our knowledge, functional studies have not been reported for this variant. This variant has been reported in an individual affected with breast and/or ovarian cancer (PMID: 33552952). In two case-control studies this variant has not shown an association with breast cancer (PMID: 31036035, 33471991). This variant has been identified in 7/282712 chromosomes in the general population by the Genome Aggregation Database (gnomAD). The available evidence is insufficient to determine the role of this variant in disease conclusively. Therefore, this variant is classified as a Variant of Uncertain Significance.

Baylor Genetics
Classification: Uncertain significance for Familial cancer of breast. Last evaluated: 2023-10-08. Review status: criteria provided, single submitter. Criteria: ACMG Guidelines, 2015. Collection method: clinical testing. Allele origin: unknown.

Myriad Genetics, Inc.
Classification: Likely benign for Familial cancer of breast. Last evaluated: 2023-04-03. Review status: criteria provided, single submitter. Criteria: Myriad Autosomal Dominant, Autosomal Recessive and X-Linked Classification Criteria (2023). Collection method: clinical testing. Allele origin: unknown.
Comment: This variant is considered likely benign. This variant is strongly associated with less severe personal and family histories of cancer, typical for individuals without pathogenic variants in this gene [PMID: 25085752].

Department of Pathology and Laboratory Medicine, Sinai Health System
Classification: Uncertain significance for BARD1-related cancer predisposition. Last evaluated: 2023-01-24. Review status: criteria provided, single submitter. Criteria: ACMG Guidelines, 2015. Collection method: clinical testing. Allele origin: germline. Affected: yes.

Sema4
Classification: Uncertain significance for Hereditary cancer-predisposing syndrome. Last evaluated: 2021-08-11. Review status: criteria provided, single submitter. Criteria: Sema4 Curation Guidelines. Collection method: curation. Allele origin: germline.
Comment: The BARD1 c.1718T>C (p.I573T) variant has been reported in individuals with neuroblastoma and breast and/or ovarian cancer (PMID: 27009842, 31036035, 31871109, 33552952) as well as in controls (PMID: 31036035, 33471991, 32658311). It was observed in 6/129044 chromosomes of the Non-Finnish European subpopulation in the large and broad cohorts of the Genome Aggregation Database (PMID: 32461654). The variant has been reported in ClinVar (Variation ID 127722). Functional studies have not been performed, and in silico predictions of the variant's effect on protein function are inconclusive. The evidence is insufficient to meet ACMG/AMP criteria for classifying the variant as benign or pathogenic. Thus, the clinical significance of this variant is currently uncertain.

GeneKor MSA
Classification: Uncertain significance for Hereditary cancer-predisposing syndrome. Last evaluated: 2018-08-01. Review status: criteria provided, single submitter. Criteria: ACMG Guidelines, 2015. Collection method: clinical testing. Allele origin: germline.

Literature cited by the submitters: PubMed 27009842 (cited by 5 submitters); PubMed 27878467 (cited by 5 submitters); PubMed 31036035 (cited by 7 submitters); PubMed 31871109 (cited by 6 submitters); PubMed 32658311 (cited by 6 submitters); PubMed 33552952 (cited by 7 submitters); PubMed 35595798 (cited by 5 submitters); PubMed 31159747 (cited by Ambry Genetics and Quest Diagnostics Nichols Institute San Juan Capistrano); PubMed 33471991 (cited by 4 submitters); PubMed 38308423 (cited by Ambry Genetics); PubMed 25085752 (cited by Myriad Genetics, Inc.).